The following is an entry in ClinVar:

NM_030665.4(RAI1):c.2801C>T (p.Thr934Ile)

Gene: RAI1 (retinoic acid induced 1; plus strand). Cytogenetic location: 17p11.2.
Variant type: single nucleotide variant.
Coding change: c.2801C>T on transcript NM_030665.4 (MANE Select); coding-DNA position 2801, C replaced by T.
Protein change: p.Thr934Ile; replaces threonine 934 with isoleucine.
Molecular consequence: missense variant.
Genome position (GRCh38, 1-based): chr17:17,795,749, C>T. VCF-style: chr17-17795749-C-T. GRCh37 (hg19) VCF-style: chr17-17699063-C-T.
Other names: c.2801C>T (NM_030665.3); short protein forms T934I.
Identifiers: ClinVar variation 2106036 (VCV002106036.5), dbSNP rs1249260528, ClinGen allele CA398552019.

ClinVar aggregate classification (germline): Uncertain significance. Review status: criteria provided, multiple submitters, no conflicts (2 of 4 stars). 2 submissions from 2 submitters: Uncertain significance (2). Last evaluated 2024-12-24.

Conditions:
Inborn genetic diseases. Identifiers: MedGen C0950123, MeSH D030342.

gnomAD v4.1: 1 of 1,613,496 alleles (0.000062%); highest among the groups gnomAD compares: Non-Finnish European, 0.000085%; no homozygotes.

Submissions (2):

Ambry Genetics
Classification: Uncertain significance for Inborn genetic diseases. Last evaluated: 2024-12-24. Review status: criteria provided, single submitter. Criteria: Ambry Variant Classification Scheme 2023. Collection method: clinical testing. Allele origin: germline.

Labcorp Genetics (formerly Invitae), Labcorp
Classification: Uncertain significance. Last evaluated: 2023-12-18. Review status: criteria provided, single submitter. Criteria: Invitae Variant Classification Sherloc (09022015). Collection method: clinical testing. Allele origin: germline.
Comment: This sequence change replaces threonine, which is neutral and polar, with isoleucine, which is neutral and non-polar, at codon 934 of the RAI1 protein (p.Thr934Ile). This variant is present in population databases (no rsID available, gnomAD 0.0009%). This variant has not been reported in the literature in individuals affected with RAI1-related conditions. ClinVar contains an entry for this variant (Variation ID: 2106036). Advanced modeling of protein sequence and biophysical properties (such as structural, functional, and spatial information, amino acid conservation, physicochemical variation, residue mobility, and thermodynamic stability) has been performed at Invitae for this missense variant, however the output from this modeling did not meet the statistical confidence thresholds required to predict the impact of this variant on RAI1 protein function. In summary, the available evidence is currently insufficient to determine the role of this variant in disease. Therefore, it has been classified as a Variant of Uncertain Significance.